The following is an entry in ClinVar:

ClinVar aggregate classification (germline): Conflicting classifications of pathogenicity. Review status: criteria provided, conflicting classifications (1 of 4 stars). 4 submissions from 4 submitters: Likely pathogenic (1); Uncertain significance (3). Last evaluated 2025-10-13.

Conditions:
Cardiovascular phenotype. Identifiers: MedGen CN230736.
ANKRD1-related dilated cardiomyopathy. Identifiers: MedGen CN119551.

Allele frequency attached by ClinVar (database versions not stated): gnomAD 0.00001; TOPMed 0.00002.
gnomAD v4.1: 8 of 1,613,834 alleles (0.0005%); highest among the groups gnomAD compares: Non-Finnish European, 0.00068%; no homozygotes.

Submissions (4):

Labcorp Genetics (formerly Invitae), Labcorp
Classification: Uncertain significance for ANKRD1-related dilated cardiomyopathy. Last evaluated: 2025-10-13. Review status: criteria provided, single submitter. Criteria: Invitae Variant Classification Sherloc (09022015). Collection method: clinical testing. Allele origin: germline.
Comment: This sequence change replaces arginine, which is basic and polar, with cysteine, which is neutral and slightly polar, at codon 264 of the ANKRD1 protein (p.Arg264Cys). This variant is present in population databases (rs786205461, gnomAD 0.0009%). This variant has not been reported in the literature in individuals affected with ANKRD1-related conditions. ClinVar contains an entry for this variant (Variation ID: 191008). Invitae Evidence Modeling of protein sequence and biophysical properties (such as structural, functional, and spatial information, amino acid conservation, physicochemical variation, residue mobility, and thermodynamic stability) has been performed for this missense variant. However, the output from this modeling did not meet the statistical confidence thresholds required to predict the impact of this variant on ANKRD1 protein function. In summary, the available evidence is currently insufficient to determine the role of this variant in disease. Therefore, it has been classified as a Variant of Uncertain Significance.

Ambry Genetics
Classification: Uncertain significance for Cardiovascular phenotype. Last evaluated: 2024-05-29. Review status: criteria provided, single submitter. Criteria: Ambry Variant Classification Scheme 2023. Collection method: clinical testing. Allele origin: germline.
Comment: The p.R264C variant (also known as c.790C>T), located in coding exon 8 of the ANKRD1 gene, results from a C to T substitution at nucleotide position 790. The arginine at codon 264 is replaced by cysteine, an amino acid with highly dissimilar properties. This amino acid position is highly conserved in available vertebrate species. In addition, this alteration is predicted to be deleterious by in silico analysis. The evidence for this gene-disease relationship is limited; therefore, the clinical significance of this alteration is unclear.

GeneDx
Classification: Uncertain significance. Last evaluated: 2024-05-15. Review status: criteria provided, single submitter. Criteria: GeneDx Variant Classification Process June 2021. Collection method: clinical testing. Allele origin: germline. Affected: yes.
Comment: Has not been previously published as pathogenic or benign to our knowledge; Not observed at significant frequency in large population cohorts (gnomAD); In silico analysis supports that this missense variant has a deleterious effect on protein structure/function

Genomic Medicine Center of Excellence, King Faisal Specialist Hospital and Research Centre
Classification: Likely pathogenic. Review status: criteria provided, single submitter. Criteria: ACMG Guidelines, 2015. Collection method: research. Allele origin: germline. Affected: yes.

NM_014391.3(ANKRD1):c.790C>T (p.Arg264Cys)

Gene: ANKRD1 (ankyrin repeat domain 1; minus strand). Cytogenetic location: 10q23.31.
Variant type: single nucleotide variant.
Coding change: c.790C>T on transcript NM_014391.3 (MANE Select); coding-DNA position 790, C replaced by T.
Protein change: p.Arg264Cys; replaces arginine 264 with cysteine.
Molecular consequence: missense variant.
Genome position (GRCh38, 1-based): chr10:90,915,602, G>A on the plus strand (C>T on the coding strand, the complement: ANKRD1 is on the minus strand). VCF-style: chr10-90915602-G-A. GRCh37 (hg19) VCF-style: chr10-92675359-G-A.
Other names: c.790C>T (NM_014391.2); short protein forms R264C.
Identifiers: ClinVar variation 191008 (VCV000191008.11), dbSNP rs786205461, ClinGen allele CA235807.